The following is an entry in ClinVar:

NM_025243.4(SLC19A3):c.*1963C>T

Gene: SLC19A3 (solute carrier family 19 member 3; minus strand). Cytogenetic location: 2q36.3.
Variant type: single nucleotide variant.
Coding change: c.*1963C>T on transcript NM_025243.4 (MANE Select); 1963 bases downstream of the stop codon, C replaced by T.
Molecular consequence: 3 prime UTR variant.
Genome position (GRCh38, 1-based): chr2:227,685,434, G>A on the plus strand (C>T on the coding strand, the complement: SLC19A3 is on the minus strand). VCF-style: chr2-227685434-G-A. GRCh37 (hg19) VCF-style: chr2-228550150-G-A.
Identifiers: ClinVar variation 334839 (VCV000334839.6), dbSNP rs1134281, ClinGen allele CA10613046.

ClinVar aggregate classification (germline): Benign. Review status: criteria provided, multiple submitters, no conflicts (2 of 4 stars). 2 submissions from 2 submitters: Benign (2). Last evaluated 2018-01-13.

Conditions:
Biotin-responsive basal ganglia disease (BTBGD). Also called: Thiamine Transporter-2 Deficiency; THIAMINE METABOLISM DYSFUNCTION SYNDROME 2 (BIOTIN- AND THIAMINE-RESPONSIVE TYPE); Thiamine metabolism dysfunction syndrome type 2; Thiamine metabolism dysfunction syndrome 2 (biotin- or thiamine-responsive encephalopathy type 2); thiamine-responsive encephalopathy. Identifiers: Orphanet 199348, Orphanet 65284, MedGen C1843807, MONDO:0011841, OMIM 607483.

Allele frequency attached by ClinVar (database versions not stated): gnomAD 0.07429 and 0.07914; TOPMed 0.08326; 1000 Genomes Project 0.08446; 1000 Genomes Project 30x 0.09541.

Submissions (2):

Illumina Laboratory Services, Illumina
Classification: Benign for Biotin-responsive basal ganglia disease. Last evaluated: 2018-01-13. Review status: criteria provided, single submitter. Criteria: ICSL Variant Classification Criteria 13 December 2019. Collection method: clinical testing. Allele origin: germline.
Comment: This variant was observed in the ICSL laboratory as part of a predisposition screen in an ostensibly healthy population. It had not been previously curated by ICSL or reported in the Human Gene Mutation Database (HGMD: prior to June 1st, 2018), and was therefore a candidate for classification through an automated scoring system. Utilizing variant allele frequency, disease prevalence and penetrance estimates, and inheritance mode, an automated score was calculated to assess if this variant is too frequent to cause the disease. Based on the score and internal cut-off values, a variant classified as benign is not then subjected to further curation. The score for this variant resulted in a classification of benign for this disease.

Breakthrough Genomics
Classification: Benign. Review status: criteria provided, single submitter. Criteria: ACMG Guidelines, 2015. Collection method: not provided. Allele origin: germline. Inheritance: Autosomal recessive inheritance. Affected: yes.